The following is an entry in ClinVar:

NM_000051.4(ATM):c.8666A>C (p.Asp2889Ala)

Genes: ATM (ATM serine/threonine kinase; plus strand), C11orf65 (chromosome 11 open reading frame 65; minus strand). Cytogenetic location: 11q22.3.
Variant type: single nucleotide variant.
Coding change: c.8666A>C on transcript NM_000051.4 (MANE Select); coding-DNA position 8666, A replaced by C.
Protein change: p.Asp2889Ala; replaces aspartic acid 2889 with alanine.
Molecular consequence: missense variant. On other transcripts: intron variant (2).
Genome position (GRCh38, 1-based): chr11:108,347,360, A>C. VCF-style: chr11-108347360-A-C. GRCh37 (hg19) VCF-style: chr11-108218087-A-C.
Other names: c.8666A>C, p.Asp2889Ala (NM_001351834.2); c.641-38289T>G (NM_001330368.2); c.695-12068T>G (NM_001351110.2); short protein forms D2889A.
Identifiers: ClinVar variation 2679719 (VCV002679719.2), dbSNP rs876658236, ClinGen allele CA382521304.
Genomic context (GRCh38, chr11:108,347,360, plus strand): 5'-GTGATAGACATGTACAGAATATCTTGATAAATGAGCAGTCAGCAGAACTTGTACATATAG[A>C]TCTAGGTAAGTAATAAAATCTATGTATCTATTCTTTTTAGTAAATATTTGGTCATCATGG-3'
Protein context (NP_000042.3, residues 2879-2899): NEQSAELVHI[Asp2889Ala]LGVAFEQGKI

ClinVar aggregate classification (germline): Uncertain significance. Review status: criteria provided, multiple submitters, no conflicts (2 of 4 stars). 2 submissions from 2 submitters: Uncertain significance (2). Last evaluated 2025-08-11.

Conditions:
Hereditary cancer-predisposing syndrome. Also called: Hereditary Cancer Syndrome; Hereditary neoplastic syndrome; Neoplastic Syndromes, Hereditary; Tumor predisposition. Identifiers: Orphanet 140162, MedGen C0027672, MeSH D009386, MONDO:0015356.
Familial cancer of breast. Also called: BREAST CANCER, FAMILIAL; Hereditary breast cancer; hereditary breast carcinoma. Identifiers: Orphanet 227535, MedGen C0346153, MONDO:0016419, OMIM 114480. Disease mechanism: loss of function.

Submissions (2):

Ambry Genetics
Classification: Uncertain significance for Hereditary cancer-predisposing syndrome. Last evaluated: 2025-08-11. Review status: criteria provided, single submitter. Criteria: Ambry Variant Classification Scheme 2023. Collection method: clinical testing. Allele origin: germline.
Comment: The p.D2889A variant (also known as c.8666A>C), located in coding exon 58 of the ATM gene, results from an A to C substitution at nucleotide position 8666. The aspartic acid at codon 2889 is replaced by alanine, an amino acid with dissimilar properties. In a functional study using both in vitro cell lines and in vivo mouse study, this variant severely impaired kinase activity and causes early embryonic lethality in mice (Daniel JA et al. J Cell Biol, 2012 Aug;198:295-304). This amino acid position is highly conserved in available vertebrate species. In addition, this alteration is predicted to be deleterious by in silico analysis. Based on the available evidence, the clinical significance of this variant remains unclear.

Baylor Genetics
Classification: Uncertain significance for Familial cancer of breast. Last evaluated: 2023-05-30. Review status: criteria provided, single submitter. Criteria: ACMG Guidelines, 2015. Collection method: clinical testing. Allele origin: unknown.

Literature cited by the submitters: PubMed 22869595 (cited by Ambry Genetics).